The following is an entry in ClinVar:

NM_198253.3(TERT):c.1565G>A (p.Arg522Lys)

Gene: TERT (telomerase reverse transcriptase; minus strand). Cytogenetic location: 5p15.33.
Variant type: single nucleotide variant.
Coding change: c.1565G>A on transcript NM_198253.3 (MANE Select); coding-DNA position 1565, G replaced by A.
Protein change: p.Arg522Lys; replaces arginine 522 with lysine.
Molecular consequence: missense variant. On other transcripts: non-coding transcript variant (2).
Genome position (GRCh38, 1-based): chr5:1,293,321, C>T on the plus strand (G>A on the coding strand, the complement: TERT is on the minus strand). VCF-style: chr5-1293321-C-T. GRCh37 (hg19) VCF-style: chr5-1293436-C-T.
Other names: c.1565G>A, p.Arg522Lys (NM_001193376.3); short protein forms R522K.
Identifiers: ClinVar variation 973675 (VCV000973675.5), dbSNP rs1751108994, ClinGen allele CA359085026.

ClinVar aggregate classification (germline): Conflicting classifications of pathogenicity. Review status: criteria provided, conflicting classifications (1 of 4 stars). 4 submissions from 4 submitters: Uncertain significance (2); Likely benign (1). 1 of the submissions does not count toward it. Last evaluated 2025-06-27.

Conditions:
Idiopathic Pulmonary Fibrosis. Also called: Idiopathic fibrosing alveolitis, chronic form; idiopathic fibrosing alveolitis. Identifiers: Orphanet 2032, MedGen C1800706, MeSH D054990, MONDO:0800504.
Dyskeratosis congenita, autosomal dominant 2. Identifiers: MedGen C3151443, MONDO:0013521, OMIM 613989.
Dyskeratosis congenita. Identifiers: Orphanet 1775, MedGen C0265965, MONDO:0015780.

Allele frequency attached by ClinVar (database versions not stated): gnomAD exomes below 0.00001.

Submissions (4):

Ambry Genetics
Classification: Likely benign for Dyskeratosis congenita. Last evaluated: 2025-06-27. Review status: criteria provided, single submitter. Criteria: Ambry Variant Classification Scheme 2023. Collection method: clinical testing. Allele origin: germline.

Baylor Genetics
Classification: Uncertain significance for Dyskeratosis congenita, autosomal dominant 2. Last evaluated: 2023-11-30. Review status: criteria provided, single submitter. Criteria: ACMG Guidelines, 2015. Collection method: clinical testing. Allele origin: unknown.

Labcorp Genetics (formerly Invitae), Labcorp
Classification: Uncertain significance for Dyskeratosis congenita, autosomal dominant 2; Idiopathic Pulmonary Fibrosis. Last evaluated: 2022-05-18. Review status: criteria provided, single submitter. Criteria: Invitae Variant Classification Sherloc (09022015). Collection method: clinical testing. Allele origin: germline.
Comment: This sequence change replaces arginine, which is basic and polar, with lysine, which is basic and polar, at codon 522 of the TERT protein (p.Arg522Lys). This variant is not present in population databases (gnomAD no frequency). This missense change has been observed in individual(s) with acute myeloid leukemia (PMID: 19147845). ClinVar contains an entry for this variant (Variation ID: 973675). Advanced modeling of protein sequence and biophysical properties (such as structural, functional, and spatial information, amino acid conservation, physicochemical variation, residue mobility, and thermodynamic stability) performed at Invitae indicates that this missense variant is not expected to disrupt TERT protein function. Experimental studies are conflicting or provide insufficient evidence to determine the effect of this variant on TERT function (PMID: 19796246, 23901009). In summary, the available evidence is currently insufficient to determine the role of this variant in disease. Therefore, it has been classified as a Variant of Uncertain Significance.

UOSD Laboratory of Genetics & Genomics of Rare Diseases, Istituto Giannina Gaslini
Classification: Uncertain significance for Dyskeratosis congenita, autosomal dominant 2. Last evaluated: 2020-05-21. Review status: no assertion criteria provided. Collection method: clinical testing. Allele origin: germline. Affected: yes. Observed: 1 variant allele. Not counted in ClinVar's aggregate classification.

Literature cited by the submitters: PubMed 19147845 (cited by Labcorp Genetics (formerly Invitae), Labcorp); PubMed 19796246 (cited by Labcorp Genetics (formerly Invitae), Labcorp); PubMed 23901009 (cited by Labcorp Genetics (formerly Invitae), Labcorp).